The following is an entry in ClinVar:

ClinVar aggregate classification (germline): Uncertain significance (1 of 4 stars; one submission).

Submission:

Labcorp Genetics (formerly Invitae), Labcorp
Classification: Uncertain significance. Last evaluated: 2024-12-17. Review status: criteria provided, single submitter. Criteria: Invitae Variant Classification Sherloc (09022015). Collection method: clinical testing. Allele origin: germline.
Comment: This sequence change replaces methionine, which is neutral and non-polar, with leucine, which is neutral and non-polar, at codon 766 of the GRIN2D protein (p.Met766Leu). This variant is not present in population databases (gnomAD no frequency). This variant has not been reported in the literature in individuals affected with GRIN2D-related conditions. Invitae Evidence Modeling of protein sequence and biophysical properties (such as structural, functional, and spatial information, amino acid conservation, physicochemical variation, residue mobility, and thermodynamic stability) indicates that this missense variant is not expected to disrupt GRIN2D protein function with a negative predictive value of 80%. In summary, the available evidence is currently insufficient to determine the role of this variant in disease. Therefore, it has been classified as a Variant of Uncertain Significance.

NM_000836.4(GRIN2D):c.2296A>T (p.Met766Leu)

Gene: GRIN2D (glutamate ionotropic receptor NMDA type subunit 2D; plus strand). Cytogenetic location: 19q13.33.
Variant type: single nucleotide variant.
Coding change: c.2296A>T on transcript NM_000836.4 (MANE Select); coding-DNA position 2296, A replaced by T.
Protein change: p.Met766Leu; replaces methionine 766 with leucine.
Molecular consequence: missense variant.
Genome position (GRCh38, 1-based): chr19:48,441,812, A>T. VCF-style: chr19-48441812-A-T. GRCh37 (hg19) VCF-style: chr19-48945069-A-T.
Other names: short protein forms M766L.
Identifiers: ClinVar variation 3671221 (VCV003671221.2).